The following is an entry in ClinVar:

NM_005006.7(NDUFS1):c.987+18dup

Gene: NDUFS1 (NADH:ubiquinone oxidoreductase core subunit S1; minus strand). Cytogenetic location: 2q33.3.
Variant type: Duplication.
Coding change: c.987+18dup on transcript NM_005006.7 (MANE Select); 18 bases into the intron after coding-DNA position 987, one base duplicated (T; older notation c.987+18dupT).
Molecular consequence: intron variant.
Genome position (GRCh38, 1-based): chr2:206,144,000, A duplicated on the plus strand (T on the coding strand, the reverse complement: NDUFS1 is on the minus strand). VCF-style (leftmost placement, unchanged base first): chr2-206143999-T-TA. GRCh37 (hg19) VCF-style: chr2-207008723-T-TA.
Other names: c.654+18dup (NM_001199982.2); c.816+18dup (NM_001199983.2); c.879+18dup (NM_001199981.2); c.1029+18dup (NM_001199984.2).
Identifiers: ClinVar variation 511196 (VCV000511196.1), dbSNP rs1212411871, ClinGen allele CA539058052.
Genomic context (GRCh38, chr2:206,143,999, plus strand): 5'-TATACATCCCCCCCTTCATGGCAAAGATGTTTCTTGATAATCACAAACACTATTTAACAC[T>TA]ATTTATTTCAAATTTTACCATTCCAGCTACGCGAGAGAGCGCATCCTCCCAAGAAGTATA-3'

ClinVar aggregate classification (germline): Likely benign (1 of 4 stars; one submission).

Allele frequency attached by ClinVar (database versions not stated): gnomAD exomes below 0.00001 and 0.00001; TOPMed below 0.00001.

Submission:

GeneDx
Classification: Likely benign. Last evaluated: 2017-08-25. Review status: criteria provided, single submitter. Criteria: GeneDx Variant Classification (06012015). Collection method: clinical testing. Allele origin: germline. Affected: yes.
Comment: This variant is considered likely benign or benign based on one or more of the following criteria: it is a conservative change, it occurs at a poorly conserved position in the protein, it is predicted to be benign by multiple in silico algorithms, and/or has population frequency not consistent with disease.